The following is an entry in ClinVar:

NM_007294.4(BRCA1):c.5237A>T (p.His1746Leu)

Gene: BRCA1 (BRCA1 DNA repair associated; minus strand). Cytogenetic location: 17q21.31.
Variant type: single nucleotide variant.
Coding change: c.5237A>T on transcript NM_007294.4 (MANE Select); coding-DNA position 5237, A replaced by T.
Protein change: p.His1746Leu; replaces histidine 1746 with leucine.
Molecular consequence: missense variant. On other transcripts: non-coding transcript variant (1).
Genome position (GRCh38, 1-based): chr17:43,057,092, T>A on the plus strand (A>T on the coding strand, the complement: BRCA1 is on the minus strand). VCF-style: chr17-43057092-T-A. GRCh37 (hg19) VCF-style: chr17-41209109-T-A.
Other names: c.2633A>T, p.His878Leu (NM_001407968.1); c.2630A>T, p.His877Leu (NM_001407969.1); c.1994A>T, p.His665Leu (NM_001407970.1, NM_001407971.1); c.1991A>T, p.His664Leu (NM_001407972.1); c.1928A>T, p.His643Leu (NM_001407973.1, NM_001407974.1, NM_001407975.1 and 3 more transcripts); c.1925A>T, p.His642Leu (NM_001407984.1, NM_001407985.1, NM_001407986.1 and 13 more transcripts); c.1922A>T, p.His641Leu (NM_001408392.1, NM_001408396.1, NM_001408473.1 and 8 more transcripts); c.1919A>T, p.His640Leu (NM_001408408.1, NM_001408406.1, NM_001408407.1); and 72 more; short protein forms H1699L, H1746L, H642L, H1767L, H1619L, H1678L, H1702L, H1741L.
Identifiers: ClinVar variation 865190 (VCV000865190.3), dbSNP rs876659991, ClinGen allele CA10591066.

Conditions:
Breast-ovarian cancer, familial, susceptibility to, 1 (BROVCA1). Also called: BRCA1 Hereditary Breast and Ovarian Cancer; OVARIAN CANCER, SUSCEPTIBILITY TO. Identifiers: Orphanet 145, MedGen C2676676, MONDO:0011450, OMIM 604370. Disease mechanism: loss of function.

Submission:

Brotman Baty Institute, University of Washington
No classification provided (evidence only). Condition: Breast-ovarian cancer, familial 1. Review status: no classification provided. Collection method: in vitro. Allele origin: not applicable. Functional consequence: functionally_normal.
ClinVar note: "not provided" was previously submitted as the classification for the variant. However, the classification appeared to be based only on an observation of functional data so it was converted to no classification on 2025-07-30.